The following is an entry in ClinVar:

ClinVar aggregate classification (germline): Uncertain significance (1 of 4 stars; one submission).

Allele frequency attached by ClinVar (database versions not stated): TOPMed below 0.00001.

Submission:

Labcorp Genetics (formerly Invitae), Labcorp
Classification: Uncertain significance. Last evaluated: 2021-11-21. Review status: criteria provided, single submitter. Criteria: Invitae Variant Classification Sherloc (09022015). Collection method: clinical testing. Allele origin: germline.
Comment: Algorithms developed to predict the effect of missense changes on protein structure and function (SIFT, PolyPhen-2, Align-GVGD) all suggest that this variant is likely to be disruptive. This variant has not been reported in the literature in individuals affected with LAT-related conditions. This variant is not present in population databases (gnomAD no frequency). This sequence change replaces proline, which is neutral and non-polar, with leucine, which is neutral and non-polar, at codon 76 of the LAT protein (p.Pro76Leu). In summary, the available evidence is currently insufficient to determine the role of this variant in disease. Therefore, it has been classified as a Variant of Uncertain Significance.

NM_001014987.2(LAT):c.227C>T (p.Pro76Leu)

Gene: LAT (linker for activation of T cells; plus strand). Cytogenetic location: 16p11.2.
Variant type: single nucleotide variant.
Coding change: c.227C>T on transcript NM_001014987.2 (MANE Select); coding-DNA position 227, C replaced by T.
Protein change: p.Pro76Leu; replaces proline 76 with leucine.
Molecular consequence: missense variant.
Genome position (GRCh38, 1-based): chr16:28,986,198, C>T. VCF-style: chr16-28986198-C-T. GRCh37 (hg19) VCF-style: chr16-28997519-C-T.
Other names: c.227C>T, p.Pro76Leu (NM_001014988.2, NM_014387.4); c.335C>T, p.Pro112Leu (NM_001014989.2); short protein forms P112L, P76L.
Identifiers: ClinVar variation 1352759 (VCV001352759.6), dbSNP rs1965746657, ClinGen allele CA395440238.